The following is an entry in ClinVar:

NM_000051.4(ATM):c.4910-2A>C

Gene: ATM (ATM serine/threonine kinase; plus strand). Cytogenetic location: 11q22.3.
Variant type: single nucleotide variant.
Coding change: c.4910-2A>C on transcript NM_000051.4 (MANE Select); the canonical splice acceptor site of the intron before coding-DNA position 4910, A replaced by C.
Molecular consequence: splice acceptor variant.
Genome position (GRCh38, 1-based): chr11:108,297,285, A>C. VCF-style: chr11-108297285-A-C. GRCh37 (hg19) VCF-style: chr11-108168012-A-C.
Other names: c.4910-2A>C (NM_001351834.2).
Identifiers: ClinVar variation 1066119 (VCV001066119.7), dbSNP rs1555103156, ClinGen allele CA382537927.

ClinVar aggregate classification (germline): Likely pathogenic (1 of 4 stars; one submission).

Conditions:
Ataxia-telangiectasia syndrome (AT). Also called: LOUIS-BAR SYNDROME; Ataxia-telangiectasia, complementation group D; AT, COMPLEMENTATION GROUP C; Cerebello-oculocutaneous telangiectasia; Immunodeficiency with ataxia telangiectasia; ATAXIA-TELANGIECTASIA, COMPLEMENTATION GROUP A. Identifiers: Orphanet 100, MedGen C0004135, MONDO:0008840, OMIM 208900.

Submission:

Labcorp Genetics (formerly Invitae), Labcorp
Classification: Likely pathogenic for Ataxia-telangiectasia syndrome. Last evaluated: 2025-11-10. Review status: criteria provided, single submitter. Criteria: Invitae Variant Classification Sherloc (09022015). Collection method: clinical testing. Allele origin: germline.
Comment: This sequence change affects an acceptor splice site in intron 32 of the ATM gene. It is expected to disrupt RNA splicing. Variants that disrupt the donor or acceptor splice site typically lead to a loss of protein function (PMID: 16199547), and loss-of-function variants in ATM are known to be pathogenic (PMID: 23807571, 25614872). This variant is not present in population databases (gnomAD no frequency). This variant has not been reported in the literature in individuals affected with ATM-related conditions. ClinVar contains an entry for this variant (Variation ID: 1066119). Algorithms developed to predict the effect of sequence changes on RNA splicing suggest that this variant may disrupt the consensus splice site. In summary, the currently available evidence indicates that the variant is pathogenic, but additional data are needed to prove that conclusively. Therefore, this variant has been classified as Likely Pathogenic.

Literature cited by the submitters: PubMed 16199547; PubMed 23807571; PubMed 25614872.